The following is an entry in ClinVar:

ClinVar aggregate classification (germline): Uncertain significance (1 of 4 stars; one submission).

Allele frequency attached by ClinVar (database versions not stated): gnomAD exomes below 0.00001 and 0.00001; ExAC 0.00001.
gnomAD v4.1: 6 of 1,613,346 alleles (0.00037%); highest among the groups gnomAD compares: East Asian, 0.0022%; no homozygotes.

Submission:

Labcorp Genetics (formerly Invitae), Labcorp
Classification: Uncertain significance. Last evaluated: 2021-09-18. Review status: criteria provided, single submitter. Criteria: Invitae Variant Classification Sherloc (09022015). Collection method: clinical testing. Allele origin: germline.
Comment: This sequence change replaces arginine with glutamine at codon 391 of the CPOX protein (p.Arg391Gln). The arginine residue is highly conserved and there is a small physicochemical difference between arginine and glutamine. This variant also falls at the last nucleotide of exon 5, which is part of the consensus splice site for this exon. This variant is present in population databases (rs771228535, ExAC 0.002%). This missense change has been observed in individual(s) with clinical features of autosomal dominant hereditary coproporphyria (Invitae). Algorithms developed to predict the effect of missense changes on protein structure and function (SIFT, PolyPhen-2, Align-GVGD) all suggest that this variant is likely to be disruptive. Variants that disrupt the consensus splice site are a relatively common cause of aberrant splicing (PMID: 17576681, 9536098). Algorithms developed to predict the effect of sequence changes on RNA splicing suggest that this variant may disrupt the consensus splice site. In summary, the available evidence is currently insufficient to determine the role of this variant in disease. Therefore, it has been classified as a Variant of Uncertain Significance.

Literature cited by the submitters: PubMed 17576681; PubMed 9536098.

NM_000097.7(CPOX):c.1172G>A (p.Arg391Gln)

Gene: CPOX (coproporphyrinogen oxidase; minus strand). Cytogenetic location: 3q11.2.
Variant type: single nucleotide variant.
Coding change: c.1172G>A on transcript NM_000097.7 (MANE Select); coding-DNA position 1172, G replaced by A.
Protein change: p.Arg391Gln; replaces arginine 391 with glutamine.
Molecular consequence: missense variant.
Genome position (GRCh38, 1-based): chr3:98,585,441, C>T on the plus strand (G>A on the coding strand, the complement: CPOX is on the minus strand). VCF-style: chr3-98585441-C-T. GRCh37 (hg19) VCF-style: chr3-98304285-C-T.
Other names: short protein forms R391Q.
Identifiers: ClinVar variation 1444082 (VCV001444082.6), dbSNP rs771228535, ClinGen allele CA2511508.